The following is an entry in ClinVar:

NM_145290.4(ADGRA3):c.3314G>A (p.Ser1105Asn)

Gene: ADGRA3 (adhesion G protein-coupled receptor A3; minus strand). Cytogenetic location: 4p15.2.
Variant type: single nucleotide variant.
Coding change: c.3314G>A on transcript NM_145290.4 (MANE Select); coding-DNA position 3314, G replaced by A.
Protein change: p.Ser1105Asn; replaces serine 1105 with asparagine.
Molecular consequence: missense variant.
Genome position (GRCh38, 1-based): chr4:22,388,357, C>T on the plus strand (G>A on the coding strand, the complement: ADGRA3 is on the minus strand). VCF-style: chr4-22388357-C-T. GRCh37 (hg19) VCF-style: chr4-22389980-C-T.
Other names: short protein forms S1105N.
Identifiers: ClinVar variation 3728308 (VCV003728308.2).

ClinVar aggregate classification (germline): Uncertain significance (1 of 4 stars; one submission).

gnomAD v4.1: 1 of 1,613,924 alleles (0.000062%); highest among the groups gnomAD compares: African/African-American, 0.0013%; no homozygotes.

Submission:

Labcorp Genetics (formerly Invitae), Labcorp
Classification: Uncertain significance. Last evaluated: 2024-12-30. Review status: criteria provided, single submitter. Criteria: Invitae Variant Classification Sherloc (09022015). Collection method: clinical testing. Allele origin: germline.
Comment: This sequence change replaces serine, which is neutral and polar, with asparagine, which is neutral and polar, at codon 1105 of the ADGRA3 protein (p.Ser1105Asn). This variant is not present in population databases (gnomAD no frequency). This variant has not been reported in the literature in individuals affected with ADGRA3-related conditions. An algorithm developed to predict the effect of missense changes on protein structure and function (PolyPhen-2) suggests that this variant is likely to be disruptive. In summary, the available evidence is currently insufficient to determine the role of this variant in disease. Therefore, it has been classified as a Variant of Uncertain Significance.